The following is an entry in ClinVar:

ClinVar aggregate classification (germline): Uncertain significance (1 of 4 stars; one submission).

Conditions:
F8-related disorder. Also called: F8-related condition.

Allele frequency attached by ClinVar (database versions not stated): ExAC 0.00001; gnomAD exomes 0.00001; TOPMed 0.00001; gnomAD 0.00002; 1000 Genomes Project 30x 0.00021.
gnomAD v4.1: 11 of 1,206,029 alleles (0.00091%); highest among the groups gnomAD compares: African/African-American, 0.0018%; no homozygotes.

Submission:

PreventionGenetics, part of Exact Sciences
Classification: Uncertain significance for F8-related condition. Last evaluated: 2022-11-08. Review status: criteria provided, single submitter. Criteria: ACMG Guidelines, 2015. Collection method: clinical testing. Allele origin: germline.
Comment: The F8 c.221C>T variant is predicted to result in the amino acid substitution p.Thr74Met. To our knowledge, this variant has not been reported in the literature or in a large population database, indicating this variant is rare. At this time, the clinical significance of this variant is uncertain due to the absence of conclusive functional and genetic evidence.

NM_000132.4(F8):c.221C>T (p.Thr74Met)

Gene: F8 (coagulation factor VIII; minus strand). Cytogenetic location: Xq28.
Variant type: single nucleotide variant.
Coding change: c.221C>T on transcript NM_000132.4 (MANE Select); coding-DNA position 221, C replaced by T.
Protein change: p.Thr74Met; replaces threonine 74 with methionine.
Molecular consequence: missense variant.
Genome position (GRCh38, 1-based): chrX:154,999,523, G>A on the plus strand (C>T on the coding strand, the complement: F8 is on the minus strand). VCF-style: chrX-154999523-G-A. GRCh37 (hg19) VCF-style: chrX-154227798-G-A.
Other names: short protein forms T74M.
Identifiers: ClinVar variation 2628601 (VCV002628601.1), dbSNP rs782504603, ClinGen allele CA10568622.